The following is an entry in ClinVar:

NM_004897.5(MINPP1):c.903G>A (p.Trp301Ter)

Gene: MINPP1 (multiple inositol-polyphosphate phosphatase 1; plus strand). Cytogenetic location: 10q23.2.
Variant type: single nucleotide variant.
Coding change: c.903G>A on transcript NM_004897.5 (MANE Select); coding-DNA position 903, G replaced by A.
Protein change: p.Trp301Ter; replaces tryptophan 301 with a stop codon.
Molecular consequence: nonsense. On other transcripts: intron variant (1).
Genome position (GRCh38, 1-based): chr10:87,513,191, G>A. VCF-style: chr10-87513191-G-A. GRCh37 (hg19) VCF-style: chr10-89272948-G-A.
Other names: c.300G>A, p.Trp100Ter (NM_001178118.2); c.835+4658G>A (NM_001178117.2); short protein forms W100*, W301*.
Identifiers: ClinVar variation 3377176 (VCV003377176.1).

ClinVar aggregate classification (germline): Pathogenic (1 of 4 stars; one submission).

Conditions:
Pontocerebellar hypoplasia, type 16. Identifiers: MedGen C5561987, MONDO:0030438, OMIM 619527.

gnomAD v4.1: 1 of 1,613,428 alleles (0.000062%); highest among the groups gnomAD compares: Admixed American, 0.0017%; no homozygotes.

Submission:

Victorian Clinical Genetics Services, Murdoch Childrens Research Institute
Classification: Pathogenic for Pontocerebellar hypoplasia, type 16. Last evaluated: 2024-10-08. Review status: criteria provided, single submitter. Criteria: ACMG Guidelines, 2015. Collection method: clinical testing. Allele origin: germline. Inheritance: Autosomal recessive inheritance. Affected: yes.
Comment: Based on the classification scheme VCGS_Germline_v1.3.4, this variant is classified as Pathogenic. Following criteria are met: 0102 - Loss of function is a known mechanism of disease in this gene and is associated with pontocerebellar hypoplasia, type 16 (MIM#619527). (I) 0106 - This gene is associated with autosomal recessive disease. (I) 0201 - Variant is predicted to cause nonsense-mediated decay (NMD) and loss of protein (premature termination codon is located at least 54 nucleotides upstream of the final exon-exon junction). (SP) 0252 - This variant is homozygous. (I) 0304 - Variant is present in gnomAD (v2) <0.01 for a recessive condition (1 heterozygote, 0 homozygotes). (SP) 0702 - Other NMD-predicted variants comparable to the one identified in this case have strong previous evidence for pathogenicity (DECIPHER, PMID: 33257696, 33168985). (SP) 0807 - This variant has no previous evidence of pathogenicity. (I) 0905 - No published segregation evidence has been identified for this variant. (I) 1007 - No published functional evidence has been identified for this variant. (I) Legend: (SP) - Supporting pathogenic, (I) - Information, (SB) - Supporting benign

Literature cited by the submitters: PubMed 33168985; PubMed 33257696.